The following is an entry in ClinVar:

NM_152296.5(ATP1A3):c.2324C>T (p.Pro775Leu)

Gene: ATP1A3 (ATPase Na+/K+ transporting subunit alpha 3; minus strand). Cytogenetic location: 19q13.2.
Variant type: single nucleotide variant.
Coding change: c.2324C>T on transcript NM_152296.5 (MANE Select); coding-DNA position 2324, C replaced by T.
Protein change: p.Pro775Leu; replaces proline 775 with leucine.
Molecular consequence: missense variant.
Genome position (GRCh38, 1-based): chr19:41,970,482, G>A on the plus strand (C>T on the coding strand, the complement: ATP1A3 is on the minus strand). VCF-style: chr19-41970482-G-A. GRCh37 (hg19) VCF-style: chr19-42474634-G-A.
Other names: c.2357C>T, p.Pro786Leu (NM_001256213.2); c.2363C>T, p.Pro788Leu (NM_001256214.2); short protein forms P775L, P788L, P786L.
Identifiers: ClinVar variation 280121 (VCV000280121.70), dbSNP rs886041396, ClinGen allele CA10603656.

ClinVar aggregate classification (germline): Pathogenic/Likely pathogenic. Review status: criteria provided, multiple submitters, no conflicts (2 of 4 stars). 12 submissions from 12 submitters: Pathogenic (6); Likely pathogenic (5). 1 of the submissions does not count toward it. Last evaluated 2025-12-22.

Conditions:
Developmental and epileptic encephalopathy 99. Identifiers: MedGen C5562018, MONDO:0030473, OMIM 619606.
ATP1A3-related disorder. Also called: ATP1A3-related disorders; ATP1A3-related condition. Identifiers: MedGen CN381097.
Inborn genetic diseases. Identifiers: MedGen C0950123, MeSH D030342.
Dystonia 12 (DYT12). Also called: Rapid-Onset Dystonia-Parkinsonism (RDP); DYT-ATP1A3. Identifiers: Orphanet 71517, MedGen C1868681, MONDO:0007496, OMIM 128235.

Submissions (12):

Variantyx, Inc.
Classification: Pathogenic for Dystonia 12. Last evaluated: 2025-12-22. Review status: criteria provided, single submitter. Criteria: Variantyx Assertion Criteria 2022. Collection method: clinical testing. Allele origin: de novo. Inheritance: Autosomal dominant inheritance. Affected: yes.
Comment: This is a nonsynonymous variant in the ATP1A3 gene (OMIM: 182350). Pathogenic variants in this gene have been associated with autosomal dominant rapid-onset dystonia-parkinsonism . It has been reported in at least 2 unrelated affected individuals (PMID: 37043503) (PS4_Moderate). An alternate amino acid change(s) at this position (c.2324C>G; p.Pro775Arg) has been previously reported in similarly affected individuals, which suggests that this residue is biologically important (PMID: 33880529) (PM5), and multiple computational algorithms predict a deleterious effect for this variant (REVEL score: 0.766) (PP3). This variant is absent from control populations (PM2). Based on the current evidence, this variant is classified as pathogenic for autosomal dominant rapid-onset dystonia-parkinsonism .

3billion
Classification: Pathogenic for ATP1A3-related disorder. Last evaluated: 2025-02-17. Review status: criteria provided, single submitter. Criteria: ACMG Guidelines, 2015. Collection method: clinical testing. Allele origin: germline. Affected: yes.
Comment: The variant is not observed in the gnomAD v4.1.0 dataset. Predicted Consequence/Location: Missense variant. Missense changes are a common disease-causing mechanism. In silico tool predictions suggest damaging effect of the variant on gene or gene product [REVEL: 0.77 (>=0.6, sensitivity 0.68 and specificity 0.92); 3Cnet: 0.99 (>=0.6, sensitivity 0.72 and precision 0.9)]. The same nucleotide change resulting in the same amino acid change has been previously reported as pathogenic/likely pathogenic with strong evidence (ClinVar ID: VCV000280121 /PMID: 32684337). The variant has been previously reported as de novo in a similarly affected individual (PMID: 32684337). Different missense changes at the same codon (p.Pro775Arg, p.Pro775Thr) have been reported as pathogenic/likely pathogenic with strong evidence (ClinVar ID: VCV000520781 /PMID: 33880529). Therefore, this variant is classified as Pathogenic according to the recommendation of ACMG/AMP guideline.

GeneDx
Classification: Pathogenic. Last evaluated: 2024-09-23. Review status: criteria provided, single submitter. Criteria: GeneDx Variant Classification Process June 2021. Collection method: clinical testing. Allele origin: germline. Affected: yes.
Comment: Not observed at significant frequency in large population cohorts (gnomAD); In silico analysis supports that this missense variant has a deleterious effect on protein structure/function; Also known as c.2363C>T (p.Pro788Leu); This variant is associated with the following publications: (PMID: 33057194, 37541188, 35012964, 35982159, 37043503, 32684337)

Blueprint Genetics
Classification: Pathogenic for ATP1A3-related disorders. Last evaluated: 2024-06-26. Review status: criteria provided, single submitter. Criteria: ACMG Guidelines, 2015. Collection method: clinical testing. Allele origin: germline. Affected: yes. Observed: 2 variant alleles.

Labcorp Genetics (formerly Invitae), Labcorp
Classification: Pathogenic for Dystonia 12. Last evaluated: 2023-11-16. Review status: criteria provided, single submitter. Criteria: Invitae Variant Classification Sherloc (09022015). Collection method: clinical testing. Allele origin: germline.
Comment: This sequence change replaces proline, which is neutral and non-polar, with leucine, which is neutral and non-polar, at codon 775 of the ATP1A3 protein (p.Pro775Leu). This variant is not present in population databases (gnomAD no frequency). This missense change has been observed in individuals with clinical features of ATP1A3-related conditions (PMID: 32684337; Invitae). This variant is also known as c.2363C>T p.Pro788Leu. ClinVar contains an entry for this variant (Variation ID: 280121). Advanced modeling of protein sequence and biophysical properties (such as structural, functional, and spatial information, amino acid conservation, physicochemical variation, residue mobility, and thermodynamic stability) performed at Invitae indicates that this missense variant is expected to disrupt ATP1A3 protein function with a positive predictive value of 95%. This variant disrupts the p.Pro775 amino acid residue in ATP1A3. Other variant(s) that disrupt this residue have been determined to be pathogenic (PMID: 33880529). This suggests that this residue is clinically significant, and that variants that disrupt this residue are likely to be disease-causing. For these reasons, this variant has been classified as Pathogenic.

Laboratory of Medical Genetics, National & Kapodistrian University of Athens
Classification: Pathogenic for Developmental and epileptic encephalopathy 99. Last evaluated: 2023-02-17. Review status: criteria provided, single submitter. Criteria: ACMG Guidelines, 2015. Collection method: clinical testing. Allele origin: germline. Affected: yes.
Comment: PS2, PM1, PM2, PM5, PP3, PP5

Eurofins-Biomnis
Classification: Likely pathogenic for Developmental and epileptic encephalopathy 99. Last evaluated: 2022-10-24. Review status: criteria provided, single submitter. Criteria: Accession Criteria ClinVar Biomnis. Collection method: clinical testing. Allele origin: germline. Affected: yes. Observed: 1 heterozygote.

Genetic Services Laboratory, University of Chicago
Classification: Likely pathogenic. Last evaluated: 2021-09-01. Review status: criteria provided, single submitter. Criteria: ACMG Guidelines, 2015. Collection method: clinical testing. Allele origin: germline. Affected: yes.
Comment: DNA sequence analysis of the ATP1A3 gene demonstrated a sequence change, c.2324C>T, in exon 17 that results in an amino acid change, p.Pro775Leu. This sequence change is absent in the gnomAD population database. The p.Pro775Leu change has been previously described as a de novo variant in individuals with ATP1A3-related disorders (PMID: 32684337). The p.Pro775Leu change affects a moderately conserved amino acid residue located in a domain of the ATP1A3 protein that is known to be functional. The p.Pro775Leu substitution appears to be deleterious using several in-silico pathogenicity prediction tools (SIFT, PolyPhen2, REVEL, CADD). The vast majority of pathogenic variants in the ATP1A3 gene are missense with many located around the p.Pro775 region. In addition, the ATP1A3 gene appears to be relatively intolerant to missense changes. Collectively this evidence suggests p.Pro775Leu is likely pathogenic, however functional studies have not been performed to prove this conclusively.

CeGaT Center for Human Genetics Tuebingen
Classification: Likely pathogenic. Last evaluated: 2019-06-01. Review status: criteria provided, single submitter. Criteria: CeGaT Center For Human Genetics Tuebingen Variant Classification Criteria Version 2. Collection method: clinical testing. Allele origin: germline. Affected: yes. Observed: 4 variant alleles.

Ambry Genetics
Classification: Likely pathogenic for Inborn genetic diseases. Last evaluated: 2018-12-03. Review status: criteria provided, single submitter. Criteria: Ambry exome assertion method (8-5-2015). Collection method: clinical testing. Allele origin: germline. Affected: yes. Observed: 1 variant allele.

Centre for Mendelian Genomics, University Medical Centre Ljubljana
Classification: Likely pathogenic for Dystonia 12. Last evaluated: 2016-01-01. Review status: criteria provided, single submitter. Criteria: ACMG Guidelines, 2015. Collection method: clinical testing. Allele origin: unknown. Affected: yes.
Comment: This variant was classified as: Likely pathogenic. The following ACMG criteria were applied in classifying this variant: PM1,PM2,PP2,PP3,PP5.

Center for Pediatric Genomic Medicine, Children's Mercy Hospital and Clinics
Classification: Uncertain significance. Last evaluated: 2017-05-01. Review status: flagged submission. Criteria: ACMG Guidelines, 2015. Collection method: clinical testing. Allele origin: germline. Not counted in ClinVar's aggregate classification.
ClinVar note: Reason: Outlier claim with insufficient supporting evidence

Literature cited by the submitters: PubMed 37043503 (cited by Variantyx, Inc.); PubMed 33880529 (cited by 3 submitters); PubMed 32684337 (cited by 3 submitters); PubMed 25624492 (cited by Ambry Genetics).